The following is an entry in ClinVar:

ClinVar aggregate classification (germline): Uncertain significance. Review status: criteria provided, multiple submitters, no conflicts (2 of 4 stars). 2 submissions from 2 submitters: Uncertain significance (2). Last evaluated 2025-02-09.

Conditions:
Familial thoracic aortic aneurysm and aortic dissection (TAAD). Also called: Thoracic aortic aneurysms and dissections. Identifiers: Orphanet 91387, MedGen C4707243, MONDO:0019625.
Congenital contractural arachnodactyly (CCA). Also called: BEALS SYNDROME; Beals-Hecht syndrome; Arthrogryposis, distal, type 9. Identifiers: Orphanet 115, MedGen C0220668, MONDO:0007363, OMIM 121050.

Allele frequency attached by ClinVar (database versions not stated): TOPMed below 0.00001; ExAC 0.00001; gnomAD 0.00001; gnomAD exomes 0.00001; ESP Exome Variant Server 0.00008.
gnomAD v4.1: 5 of 1,613,938 alleles (0.00031%); highest among the groups gnomAD compares: Admixed American, 0.005%; no homozygotes.

Submissions (2):

Labcorp Genetics (formerly Invitae), Labcorp
Classification: Uncertain significance for Congenital contractural arachnodactyly. Last evaluated: 2025-02-09. Review status: criteria provided, single submitter. Criteria: Invitae Variant Classification Sherloc (09022015). Collection method: clinical testing. Allele origin: germline.
Comment: This sequence change replaces glycine, which is neutral and non-polar, with serine, which is neutral and polar, at codon 1172 of the FBN2 protein (p.Gly1172Ser). This variant is present in population databases (rs138303817, gnomAD 0.002%). This variant has not been reported in the literature in individuals affected with FBN2-related conditions. ClinVar contains an entry for this variant (Variation ID: 576719). Invitae Evidence Modeling of protein sequence and biophysical properties (such as structural, functional, and spatial information, amino acid conservation, physicochemical variation, residue mobility, and thermodynamic stability) has been performed for this missense variant. However, the output from this modeling did not meet the statistical confidence thresholds required to predict the impact of this variant on FBN2 protein function. In summary, the available evidence is currently insufficient to determine the role of this variant in disease. Therefore, it has been classified as a Variant of Uncertain Significance.

Ambry Genetics
Classification: Uncertain significance for Familial thoracic aortic aneurysm and aortic dissection. Last evaluated: 2020-06-29. Review status: criteria provided, single submitter. Criteria: Ambry Variant Classification Scheme 2023. Collection method: clinical testing. Allele origin: germline.
Comment: The p.G1172S variant (also known as c.3514G>A), located in coding exon 27 of the FBN2 gene, results from a G to A substitution at nucleotide position 3514. The glycine at codon 1172 is replaced by serine, an amino acid with similar properties. This amino acid position is highly conserved in available vertebrate species. In addition, this alteration is predicted to be deleterious by in silico analysis. Since supporting evidence is limited at this time, the clinical significance of this alteration remains unclear.

NM_001999.4(FBN2):c.3514G>A (p.Gly1172Ser)

Gene: FBN2 (fibrillin 2; minus strand). Cytogenetic location: 5q23.3.
Variant type: single nucleotide variant.
Coding change: c.3514G>A on transcript NM_001999.4 (MANE Select); coding-DNA position 3514, G replaced by A.
Protein change: p.Gly1172Ser; replaces glycine 1172 with serine.
Molecular consequence: missense variant.
Genome position (GRCh38, 1-based): chr5:128,338,081, C>T on the plus strand (G>A on the coding strand, the complement: FBN2 is on the minus strand). VCF-style: chr5-128338081-C-T. GRCh37 (hg19) VCF-style: chr5-127673773-C-T.
Other names: short protein forms G1172S.
Identifiers: ClinVar variation 576719 (VCV000576719.9), dbSNP rs138303817, ClinGen allele CA3395206.